The following is an entry in ClinVar:

NR_199791.1(RNU2-2):n.35A>G

Genes: RNU2-2 (RNA, U2 small nuclear 2; minus strand), WDR74 (WD repeat domain 74; minus strand). Cytogenetic location: 11q12.3.
Variant type: single nucleotide variant.
Molecular consequence: non-coding transcript variant (on NR_199791.1). On other transcripts: 5 prime UTR variant (1).
Genome position: GRCh38 VCF-style: chr11-62841775-T-C. GRCh37 (hg19) VCF-style: chr11-62609247-T-C.
Other names: NM_001369451.1:c.-504A>G; c.-504A>G (NM_001369451.1).
Identifiers: ClinVar variation 3383301 (VCV003383301.7).

ClinVar aggregate classification (germline): Pathogenic. Review status: criteria provided, multiple submitters, no conflicts (2 of 4 stars). 6 submissions from 4 submitters: Pathogenic (6). Last evaluated 2026-08-14.

Conditions:
Developmental and epileptic encephalopathy 119. Identifiers: MedGen C6065899, MONDO:1060177, OMIM 621304.
Neurodevelopmental disorder with seizures and brain abnormalities. Identifiers: MedGen C5561979, MONDO:0859188, OMIM 619517.

Submissions (6):

Undiagnosed Diseases Network, NIH
Classification: Pathogenic for Developmental and epileptic encephalopathy 119. Last evaluated: 2026-08-14. Review status: criteria provided, single submitter. Criteria: ACMG Guidelines, 2015. Collection method: clinical testing. Allele origin: de novo. Inheritance: Autosomal dominant inheritance. Affected: yes. Observed: 1 variant allele, 1 heterozygote. Study: Undiagnosed Diseases Network, UDN.

Institute of Human Genetics, University of Leipzig Medical Center
Classification: Pathogenic for Developmental and epileptic encephalopathy 119. Last evaluated: 2026-06-02. Review status: criteria provided, single submitter. Criteria: ACMG Guidelines, 2015. Collection method: clinical testing. Allele origin: de novo. Inheritance: Autosomal dominant inheritance. Affected: yes.
Comment: Criteria applied: PS2_VSTR,PS4,PM2

Undiagnosed Diseases Network, NIH
Classification: Pathogenic for Developmental and epileptic encephalopathy 119. Last evaluated: 2026-04-30. Review status: criteria provided, single submitter. Criteria: ACMG Guidelines, 2015. Collection method: clinical testing. Allele origin: de novo. Affected: yes. Observed: 1 variant allele, 1 heterozygote. Study: Undiagnosed Diseases Network (NIH), UDN.
Comment: This variant has been previously reported in a de novo heterozygous state in individuals with neurodevelopmental disorders (PMID: 40210679, 40442284). This variant has not been observed in the gnomAD v4 (non-UKB) dataset. This variant is located in a highly conserved recognition domain required for forming the U2–U6 complex, which engages intronic branch sites during splicing. This variant has been described as pathogenic in ClinVar (ID: 4073604).

Undiagnosed Diseases Network, NIH
Classification: Pathogenic for Developmental and epileptic encephalopathy 119. Last evaluated: 2026-02-04. Review status: criteria provided, single submitter. Criteria: ACMG Guidelines, 2015. Collection method: clinical testing. Allele origin: de novo. Inheritance: Autosomal dominant inheritance. Affected: yes. Observed: 1 variant allele, 1 heterozygote. Study: Undiagnosed Diseases Network (NIH), UDN.

Broad Center for Mendelian Genomics, Broad Institute of MIT and Harvard
Classification: Pathogenic for Neurodevelopmental disorder with seizures and brain abnormalities. Last evaluated: 2026-01-15. Review status: criteria provided, single submitter. Criteria: ACMG Guidelines, 2015. Collection method: curation. Allele origin: germline. Inheritance: Autosomal dominant inheritance. Study: GREGoR Consortium.
Comment: Trio genome analysis showed this variant to be de novo. This variant has also been reported in at least 10 individuals with syndromic neurodevelopmental disorder (PMID: 40210679), and was absent from large population studies. This variant has also been reported in ClinVar (VCV003383301.2) and has been interpreted as pathogenic by Institute for Human Genetics (University Hospital Essen). This variant was found to be de novo in 10 individuals with confirmed paternity and maternity (PMID: 40210679). The RNU2-2 gene encodes a non-coding RNA that is a component of the major spliceosome complex. This variant lies in a highly constrained 40bp region of the gene, and this variant position is a crucial interactor with U6 within the pre-B and B complexes (PMID: 40210679). In summary, this variant meets criteria to be classified as pathogenic for autosomal dominant syndromic neurodevelopmental disorder. ACMG/AMP Criteria applied: PM2_supporting, PS2_very-strong, PM1 (Richards 2015).

Institute for Human Genetics, University Hospital Essen
Classification: Pathogenic for Developmental and epileptic encephalopathy 119. Last evaluated: 2025-11-27. Review status: criteria provided, single submitter. Criteria: Submitter's publication. Collection method: clinical testing. Allele origin: de novo. Inheritance: Autosomal dominant inheritance. Affected: yes. Observed: 13 variant alleles, 13 heterozygotes.
Comment: PS2, PS4, PM1, PM2_supp (criteria rationale detailed in Leitão et al. Nature Genetics 2026)

Literature cited by the submitters: PubMed 40210679 (cited by Undiagnosed Diseases Network, NIH); PubMed 40442284 (cited by Undiagnosed Diseases Network, NIH).